The following is an entry in ClinVar:

ClinVar aggregate classification (germline): Uncertain significance. Review status: criteria provided, multiple submitters, no conflicts (2 of 4 stars). 2 submissions from 2 submitters: Uncertain significance (2). Last evaluated 2024-03-01.

Conditions:
Alpha thalassemia-X-linked intellectual disability syndrome (ATRX). Also called: ATR-X syndrome; Alpha thalassemia mental retardation syndrome, nondeletion type, X-linked; XLMR hypotonic face syndrome; X-linked alpha-thalassemia-mental retardation syndrome; ALPHA-THALASSEMIA/IMPAIRED INTELLECTUAL DEVELOPMENT SYNDROME, X-LINKED; ALPHA-THALASSEMIA/MENTAL RETARDATION SYNDROME, X-LINKED. Identifiers: Orphanet 847, MedGen C1845055, MONDO:0010519, OMIM 301040.

Allele frequency attached by ClinVar (database versions not stated): gnomAD exomes below 0.00001.
gnomAD v4.1: 1 of 1,210,503 alleles (0.000083%); highest among the groups gnomAD compares: Non-Finnish European, 0.00011%; no homozygotes.

Submissions (2):

CeGaT Center for Human Genetics Tuebingen
Classification: Uncertain significance. Last evaluated: 2024-03-01. Review status: criteria provided, single submitter. Criteria: CeGaT Center For Human Genetics Tuebingen Variant Classification Criteria Version 2. Collection method: clinical testing. Allele origin: germline. Affected: yes. Observed: 1 variant allele.
Comment: ATRX: PM2, PP2, PP3

Labcorp Genetics (formerly Invitae), Labcorp
Classification: Uncertain significance for Alpha thalassemia-X-linked intellectual disability syndrome. Last evaluated: 2021-12-17. Review status: criteria provided, single submitter. Criteria: Invitae Variant Classification Sherloc (09022015). Collection method: clinical testing. Allele origin: germline.
Comment: This sequence change replaces arginine, which is basic and polar, with glutamine, which is neutral and polar, at codon 1426 of the ATRX protein (p.Arg1426Gln). This variant is present in population databases (no rsID available, gnomAD 0.001%). This variant has not been reported in the literature in individuals affected with ATRX-related conditions. Algorithms developed to predict the effect of missense changes on protein structure and function are either unavailable or do not agree on the potential impact of this missense change (SIFT: "Deleterious"; PolyPhen-2: "Probably Damaging"; Align-GVGD: "Class C0"). In summary, the available evidence is currently insufficient to determine the role of this variant in disease. Therefore, it has been classified as a Variant of Uncertain Significance.

NM_000489.6(ATRX):c.4277G>A (p.Arg1426Gln)

Gene: ATRX (ATRX chromatin remodeler; minus strand). Cytogenetic location: Xq21.1.
Variant type: single nucleotide variant.
Coding change: c.4277G>A on transcript NM_000489.6 (MANE Select); coding-DNA position 4277, G replaced by A.
Protein change: p.Arg1426Gln; replaces arginine 1426 with glutamine.
Molecular consequence: missense variant.
Genome position (GRCh38, 1-based): chrX:77,654,138, C>T on the plus strand (G>A on the coding strand, the complement: ATRX is on the minus strand). VCF-style: chrX-77654138-C-T. GRCh37 (hg19) VCF-style: chrX-76909628-C-T.
Other names: c.4163G>A, p.Arg1388Gln (NM_138270.5); short protein forms R1388Q, R1426Q.
Identifiers: ClinVar variation 1373061 (VCV001373061.24), dbSNP rs1557118717, ClinGen allele CA413709381.